The following is an entry in ClinVar:

ClinVar aggregate classification (germline): Pathogenic (1 of 4 stars; one submission).

Conditions:
Charcot-Marie-Tooth disease type 4. Also called: Charcot-Marie-Tooth, Type 4; Charcot-Marie-Tooth disease, type IV. Identifiers: Orphanet 64749, MedGen C4082197, MONDO:0018995.

Submission:

Labcorp Genetics (formerly Invitae), Labcorp
Classification: Pathogenic for Charcot-Marie-Tooth disease type 4. Last evaluated: 2022-07-22. Review status: criteria provided, single submitter. Criteria: Invitae Variant Classification Sherloc (09022015). Collection method: clinical testing. Allele origin: germline.
Comment: For these reasons, this variant has been classified as Pathogenic. This variant has not been reported in the literature in individuals affected with FIG4-related conditions. This variant is present in population databases (rs779591881, gnomAD 0.007%). This sequence change creates a premature translational stop signal (p.Ile52Metfs*12) in the FIG4 gene. It is expected to result in an absent or disrupted protein product. Loss-of-function variants in FIG4 are known to be pathogenic (PMID: 23623387).

Literature cited by the submitters: PubMed 23623387.

NM_014845.6(FIG4):c.156del (p.Ile52fs)

Gene: FIG4 (FIG4 phosphoinositide 5-phosphatase; plus strand). Cytogenetic location: 6q21.
Variant type: Deletion.
Coding change: c.156del on transcript NM_014845.6 (MANE Select); coding-DNA position 156, one base deleted (T; older notation c.156delT).
Protein change: p.Ile52fs; shifts the reading frame from isoleucine 52.
Molecular consequence: frameshift variant.
Genome position (GRCh38, 1-based): chr6:109,715,167, T deleted; the last of 2 consecutive T bases (chr6:109,715,166-109,715,167); deleting either gives the same sequence. VCF-style (leftmost placement, unchanged base first): chr6-109715165-AT-A. GRCh37 (hg19) VCF-style: chr6-110036368-AT-A.
Other names: short protein forms I52fs.
Identifiers: ClinVar variation 1952309 (VCV001952309.5), dbSNP rs779591881, ClinGen allele CA3955681.